The following is an entry in ClinVar:

ClinVar aggregate classification (germline): Conflicting classifications of pathogenicity. Review status: criteria provided, conflicting classifications (1 of 4 stars). 9 submissions from 8 submitters: Uncertain significance (6); Likely benign (1). 2 of the submissions do not count toward it. Last evaluated 2026-06-04.

Conditions:
Hirschsprung disease, susceptibility to, 1 (HSCR1). Also called: RET-Related Hirschsprung Disease. Identifiers: Orphanet 388, MedGen C3888239, MONDO:0007723, OMIM 142623.
Familial medullary thyroid carcinoma (MTC). Also called: Familial Medullary Thyroid Carcinoma (FMTC); Thyroid cancer, familial medullary; MTC, familial. Identifiers: Orphanet 653, Orphanet 99361, MedGen C1833921, MONDO:0007958, OMIM 155240.
Multiple endocrine neoplasia type 2B. Also called: MULTIPLE ENDOCRINE NEOPLASIA, TYPE IIB; Multiple Endocrine Neoplasia Type 2B (MEN2B); Multiple endocrine neoplasia, type 3; WAGENMANN-FROBOESE SYNDROME; MULTIPLE ENDOCRINE NEOPLASIA, TYPE III; MEN 2B. Identifiers: Orphanet 247709, Orphanet 653, MedGen C0025269, MeSH D018814, MONDO:0008082, OMIM 162300.
Pheochromocytoma. Also called: MAX-Related Hereditary Paraganglioma-Pheochromocytoma Syndrome. Identifiers: Orphanet 29072, MedGen C0031511, MONDO:0008233, OMIM 171300, HP:0002666.
Multiple endocrine neoplasia type 2A. Also called: Multiple Endocrine Neoplasia Type 2A (MEN2A); MULTIPLE ENDOCRINE NEOPLASIA, TYPE IIA; PTC SYNDROME; SIPPLE SYNDROME; MEN 2A; MEN-2A syndrome. Identifiers: Orphanet 247698, Orphanet 653, MedGen C0025268, MeSH D018813, MONDO:0008234, OMIM 171400.
Hereditary cancer-predisposing syndrome. Also called: Neoplastic Syndromes, Hereditary; Hereditary neoplastic syndrome; Tumor predisposition; Hereditary Cancer Syndrome. Identifiers: Orphanet 140162, MedGen C0027672, MeSH D009386, MONDO:0015356.
Multiple endocrine neoplasia, type 2 (MEN2). Identifiers: Orphanet 653, MedGen C4048306, MONDO:0019003. Disease mechanism: gain of function.

Allele frequency attached by ClinVar (database versions not stated): gnomAD exomes below 0.00001; TOPMed 0.00002; gnomAD 0.00003.
gnomAD v4.1: 6 of 1,607,500 alleles (0.00037%); highest among the groups gnomAD compares: African/African-American, 0.008%; no homozygotes.

Submissions (9):

Ambry Genetics
Classification: Likely benign for Hereditary cancer-predisposing syndrome. Last evaluated: 2026-06-04. Review status: criteria provided, single submitter. Criteria: Ambry Variant Classification Scheme 2023. Collection method: clinical testing. Allele origin: germline.

Labcorp Genetics (formerly Invitae), Labcorp
Classification: Uncertain significance for Multiple endocrine neoplasia, type 2. Last evaluated: 2025-12-01. Review status: criteria provided, single submitter. Criteria: Invitae Variant Classification Sherloc (09022015). Collection method: clinical testing. Allele origin: germline.
Comment: This sequence change replaces leucine, which is neutral and non-polar, with valine, which is neutral and non-polar, at codon 633 of the RET protein (p.Leu633Val). This variant is present in population databases (rs267607010, gnomAD 0.01%). This missense change has been observed in individual(s) with breast cancer (PMID: 36315513). This missense change has been observed to co-occur in individuals with a different variant in RET that has been determined to be pathogenic (PMID: 8099202), but the significance of this finding is unclear. ClinVar contains an entry for this variant (Variation ID: 216718). An algorithm developed to predict the effect of missense changes on protein structure and function outputs the following: PolyPhen-2: "Benign". The valine amino acid residue is found in multiple mammalian species, which suggests that this missense change does not adversely affect protein function. In summary, the available evidence is currently insufficient to determine the role of this variant in disease. Therefore, it has been classified as a Variant of Uncertain Significance.

Dasa
Classification: Uncertain significance. Last evaluated: 2025-01-26. Review status: criteria provided, single submitter. Criteria: DASA Assertion Criteria. Collection method: clinical testing. Allele origin: germline.
Comment: NM_020975.6(RET):c.1897C>G (p.Leu633Val) is a missense variant that results in the substitution of leucine with valine. This variant is rare in population databases. Computational prediction algorithms are consistent with a benign effect. The currently available literature and clinical evidence are not sufficient to establish a definitive association between this variant and the reported condition. Therefore, this variant is classified as a variant of uncertain significance.

Fulgent Genetics
Classification: Uncertain significance for Hirschsprung disease, susceptibility to, 1; Familial medullary thyroid carcinoma; Multiple endocrine neoplasia type 2B; Pheochromocytoma; Multiple endocrine neoplasia type 2A. Last evaluated: 2024-03-19. Review status: criteria provided, single submitter. Criteria: ACMG Guidelines, 2015. Collection method: clinical testing. Allele origin: germline.

Department of Pathology and Laboratory Medicine, Sinai Health System
Classification: Uncertain significance for Hirschsprung disease, susceptibility to, 1; Familial medullary thyroid carcinoma; Multiple endocrine neoplasia type 2B; Pheochromocytoma; Multiple endocrine neoplasia type 2A. Last evaluated: 2023-09-20. Review status: criteria provided, single submitter. Criteria: ACMG Guidelines, 2015. Collection method: research. Allele origin: germline.

Myriad Genetics, Inc.
Classification: Uncertain significance for Multiple endocrine neoplasia type 2A. Last evaluated: 2023-04-18. Review status: criteria provided, single submitter. Criteria: Myriad Autosomal Dominant, Autosomal Recessive and X-Linked Classification Criteria (2023). Collection method: clinical testing. Allele origin: unknown.
Comment: This variant is classified as a variant of uncertain significance as there is insufficient evidence to determine its impact on protein function and/or cancer risk.

Quest Diagnostics Nichols Institute San Juan Capistrano
Classification: Uncertain significance. Last evaluated: 2021-08-18. Review status: criteria provided, single submitter. Criteria: Quest Diagnostics criteria. Collection method: clinical testing. Allele origin: unknown.

Counsyl
Classification: Uncertain significance for Multiple endocrine neoplasia type 2B. Last evaluated: 2016-09-13. Review status: no assertion criteria provided. Collection method: clinical testing. Allele origin: unknown. Not counted in ClinVar's aggregate classification.

Counsyl
Classification: Uncertain significance for Multiple endocrine neoplasia type 2A. Last evaluated: 2016-09-13. Review status: no assertion criteria provided. Collection method: clinical testing. Allele origin: unknown. Not counted in ClinVar's aggregate classification.

Literature cited by the submitters: PubMed 36315513 (cited by Labcorp Genetics (formerly Invitae), Labcorp); PubMed 8099202 (cited by 3 submitters).

NM_020975.6(RET):c.1897C>G (p.Leu633Val)

Gene: RET (ret proto-oncogene; plus strand). Cytogenetic location: 10q11.21.
Variant type: single nucleotide variant.
Coding change: c.1897C>G on transcript NM_020975.6 (MANE Select); coding-DNA position 1897, C replaced by G.
Protein change: p.Leu633Val; replaces leucine 633 with valine.
Molecular consequence: missense variant.
Genome position (GRCh38, 1-based): chr10:43,114,497, C>G. VCF-style: chr10-43114497-C-G. GRCh37 (hg19) VCF-style: chr10-43609945-C-G.
Other names: c.1459C>G, p.Leu487Val (NM_001406773.1, NM_001406771.1); c.1372C>G, p.Leu458Val (NM_001406774.1); c.1171C>G, p.Leu391Val (NM_001406775.1, NM_001406776.1, NM_001406777.1 and 1 more transcripts); c.1000C>G, p.Leu334Val (NM_001406779.1, NM_001406780.1, NM_001406781.1 and 1 more transcripts); c.1897C>G, p.Leu633Val (NM_000323.2, NM_001406743.1, NM_001406744.1 and 4 more transcripts); c.1135C>G, p.Leu379Val (NM_001355216.2); c.1768C>G, p.Leu590Val (NM_001406761.1, NM_001406762.1, NM_001406764.1); c.1609C>G, p.Leu537Val (NM_001406766.1, NM_001406767.1, NM_001406770.1); and 7 more; short protein forms L379V, L633V, L590V, L150V, L198V, L238V, L391V, L458V.
Identifiers: ClinVar variation 216718 (VCV000216718.22), dbSNP rs267607010, ClinGen allele CA008295.